The following is an entry in ClinVar:

ClinVar aggregate classification (germline): Uncertain significance. Review status: criteria provided, multiple submitters, no conflicts (2 of 4 stars). 3 submissions from 3 submitters: Uncertain significance (3). Last evaluated 2025-06-09.

Conditions:
Malignant hyperthermia, susceptibility to, 5 (MHS5). Also called: CACNA1S-Related Malignant Hyperthermia Susceptibility. Identifiers: Orphanet 423, MedGen C1866077, MONDO:0011163, OMIM 601887.

Allele frequency attached by ClinVar (database versions not stated): TOPMed below 0.00001; gnomAD 0.00001.

Submissions (3):

Color Diagnostics, LLC DBA Color Health
Classification: Uncertain significance for Malignant hyperthermia, susceptibility to, 5. Last evaluated: 2025-06-09. Review status: criteria provided, single submitter. Criteria: ACMG Guidelines, 2015. Collection method: clinical testing. Allele origin: germline.
Comment: This missense variant replaces leucine with histidine at codon 807 of the CACNA1S protein. Computational prediction suggests that this variant may have deleterious impact on protein structure and function. To our knowledge, functional studies have not been reported for this variant. This variant has not been reported in individuals affected with CACNA1S-related disorders in the literature. This variant has not been identified in the general population by the Genome Aggregation Database (gnomAD). The available evidence is insufficient to determine the role of this variant in disease conclusively. Therefore, this variant is classified as a Variant of Uncertain Significance.

GeneDx
Classification: Uncertain significance. Last evaluated: 2025-05-02. Review status: criteria provided, single submitter. Criteria: GeneDx Variant Classification Process June 2021. Collection method: clinical testing. Allele origin: germline. Affected: yes.
Comment: Not observed at significant frequency in large population cohorts (gnomAD); In silico analysis supports that this missense variant has a deleterious effect on protein structure/function; Has not been previously published as pathogenic or benign to our knowledge

All of Us Research Program, National Institutes of Health
Classification: Uncertain significance for Malignant hyperthermia, susceptibility to, 5. Last evaluated: 2023-04-27. Review status: criteria provided, single submitter. Criteria: ACMG Guidelines, 2015. Collection method: clinical testing. Allele origin: germline. Inheritance: Autosomal dominant inheritance. Observed: 1 variant allele, 1 heterozygote.
Comment: This study involves interpretation of variants in research participants for the purpose of population health screening. Participant phenotype was not available at the time of variant classification. Additional details can be found in publication PMID: 35346344, PMCID: PMC8962531

NM_000069.3(CACNA1S):c.2420T>A (p.Leu807His)

Gene: CACNA1S (calcium voltage-gated channel subunit alpha1 S; minus strand). Cytogenetic location: 1q32.1.
Variant type: single nucleotide variant.
Coding change: c.2420T>A on transcript NM_000069.3 (MANE Select); coding-DNA position 2420, T replaced by A.
Protein change: p.Leu807His; replaces leucine 807 with histidine.
Molecular consequence: missense variant.
Genome position (GRCh38, 1-based): chr1:201,069,542, A>T on the plus strand (T>A on the coding strand, the complement: CACNA1S is on the minus strand). VCF-style: chr1-201069542-A-T. GRCh37 (hg19) VCF-style: chr1-201038670-A-T.
Other names: c.2420T>A (NM_000069.2); short protein forms L807H.
Identifiers: ClinVar variation 3070524 (VCV003070524.3), dbSNP rs1023174180, ClinGen allele CA35973535.